The following is an entry in ClinVar:

NM_001166108.2(PALLD):c.2748C>A (p.Asp916Glu)

Genes: CBR4 (carbonyl reductase 4; minus strand), PALLD (palladin, cytoskeletal associated protein; plus strand). Cytogenetic location: 4q32.3.
Variant type: single nucleotide variant.
Coding change: c.2748C>A on transcript NM_001166108.2 (MANE Select); coding-DNA position 2748, C replaced by A.
Protein change: p.Asp916Glu; replaces aspartic acid 916 with glutamic acid.
Molecular consequence: missense variant.
Genome position (GRCh38, 1-based): chr4:168,915,925, C>A. VCF-style: chr4-168915925-C-A. GRCh37 (hg19) VCF-style: chr4-169837076-C-A.
Other names: c.1551C>A, p.Asp517Glu (NM_001166109.2); c.1236C>A, p.Asp412Glu (NM_001166110.2); c.576C>A, p.Asp192Glu (NM_001367567.1, NM_001367569.1); c.627C>A, p.Asp209Glu (NM_001367568.1, NM_001367570.1); c.2697C>A, p.Asp899Glu (NM_016081.4); short protein forms D192E, D412E, D916E, D209E, D517E, D899E.
Identifiers: ClinVar variation 3927492 (VCV003927492.1).
Genomic context (GRCh38, chr4:168,915,925, plus strand): 5'-CTATCTATCTGTCATCTTTCTTGTTTCAAGGCCTCGTTCTAGATCAAGGGACAGTGGAGA[C>A]GAAAATGAACCAATTCAGGAGCGATTCTTCAGACCTCACTTCTTGCAGGCTCCTGGAGAT-3'
Protein context (NP_001159580.1, residues 906-926): RPRSRSRDSG[Asp916Glu]ENEPIQERFF

ClinVar aggregate classification (germline): Uncertain significance (1 of 4 stars; one submission).

gnomAD v4.1: 1 of 1,612,972 alleles (0.000062%); highest among the groups gnomAD compares: Non-Finnish European, 0.000085%; no homozygotes.

Submission:

Ambry Genetics
Classification: Uncertain significance. Last evaluated: 2025-05-02. Review status: criteria provided, single submitter. Criteria: Ambry Variant Classification Scheme 2023. Collection method: clinical testing. Allele origin: germline.
Comment: The p.D412E variant (also known as c.1236C>A), located in coding exon 7 of the PALLD gene, results from a C to A substitution at nucleotide position 1236. The aspartic acid at codon 412 is replaced by glutamic acid, an amino acid with highly similar properties. This amino acid position is conserved. In addition, the in silico prediction for this alteration is inconclusive. Based on the available evidence, the clinical significance of this variant remains unclear.